The following is an entry in ClinVar:

ClinVar aggregate classification (germline): Pathogenic (1 of 4 stars; one submission).

Conditions:
Neurofibromatosis, type 1 (NF1). Also called: NEUROFIBROMATOSIS, TYPE I, SOMATIC; VON RECKLINGHAUSEN DISEASE; Neurofibromatosis, type I; Peripheral type neurofibromatosis. Identifiers: Orphanet 636, MedGen C0027831, MONDO:0018975, OMIM 162200. Disease mechanism: loss of function.

Submission:

Labcorp Genetics (formerly Invitae), Labcorp
Classification: Pathogenic for Neurofibromatosis, type 1. Last evaluated: 2018-08-28. Review status: criteria provided, single submitter. Criteria: Invitae Variant Classification Sherloc (09022015). Collection method: clinical testing. Allele origin: germline.
Comment: This variant is a gross deletion of the genomic region encompassing exons 5-57 of the NF1 gene. The 5' boundary is likely confined to intron 5. The 3' end of this event is unknown as it extends through the termination codon beyond the assayed region for this gene and may encompass additional genes. While this deletion is not anticipated to result in nonsense mediated decay, it is expected to create a truncated protein product or disrupt mRNA translation. A similar deletion of exons 5-57 has been reported in an individual affected with neurofibromatosis type I (PMID:Â¬â€ 26189818). Sub-genic deletion of exons 9-12, 40-45, 36-56 and 32-57 have been determined to be pathogenic (PMID:Â¬â€ 26189818, 18196300,Â¬â€ Invitae). Therefore, deletions that fully encompass that region are also expected to be pathogenic. For these reasons, this variant has been classified as Pathogenic.

NC_000017.11:g.(?_31169881)_(31374165_?)del

Genes: EVI2A (ecotropic viral integration site 2A; minus strand), EVI2B (ecotropic viral integration site 2B; minus strand), NF1 (neurofibromin 1; plus strand), OMG (oligodendrocyte myelin glycoprotein; minus strand), LOC108281181 (NF1 intron 8 Alu-mediated recombination region; plus strand) and 5 more. Cytogenetic location: 17q11.2.
Variant type: Deletion.
Identifiers: ClinVar variation 643145 (VCV000643145.1).